The following is an entry in ClinVar:

NM_001127644.2(GABRA1):c.1323G>A (p.Thr441=)

Gene: GABRA1 (gamma-aminobutyric acid type A receptor subunit alpha1; plus strand). Cytogenetic location: 5q34.
Variant type: single nucleotide variant.
Coding change: c.1323G>A on transcript NM_001127644.2 (MANE Select); coding-DNA position 1323, G replaced by A.
Protein change: p.Thr441=; no amino-acid change (threonine 441 retained).
Molecular consequence: synonymous variant.
Genome position (GRCh38, 1-based): chr5:161,897,374, G>A. VCF-style: chr5-161897374-G-A. GRCh37 (hg19) VCF-style: chr5-161324380-G-A.
Other names: p.T441T:ACG>ACA; c.1323G>A, p.Thr441= (NM_000806.5, NM_001127643.2, NM_001127645.2 and 1 more transcripts).
Identifiers: ClinVar variation 93432 (VCV000093432.59), dbSNP rs138259457, ClinGen allele CA285410.

ClinVar aggregate classification (germline): Conflicting classifications of pathogenicity. Review status: criteria provided, conflicting classifications (1 of 4 stars). 9 submissions from 9 submitters: Uncertain significance (1); Benign (6); Likely benign (1). 1 of the submissions does not count toward it. Last evaluated 2026-08-01.

Conditions:
Epilepsy, idiopathic generalized, susceptibility to, 13. Also called: EPILEPSY, JUVENILE MYOCLONIC, SUSCEPTIBILITY TO, 5. Identifiers: Orphanet 307, Orphanet 64280, MedGen C4013473, MONDO:0012627, OMIM 611136.
Epilepsy, childhood absence 4 (ECA4). Also called: EPILEPSY, CHILDHOOD ABSENCE, SUSCEPTIBILITY TO, 4. Identifiers: Orphanet 307, MedGen C1970160.
Idiopathic generalized epilepsy. Also called: Generalised epilepsy; EIG. Identifiers: MedGen C0270850, MONDO:0005579, OMIM 600669.
Inborn genetic diseases. Identifiers: MedGen C0950123, MeSH D030342.

Allele frequency attached by ClinVar (database versions not stated): ExAC 0.00125; 1000 Genomes Project 30x 0.00390; gnomAD 0.00391 and 0.00428; 1000 Genomes Project 0.00399; TOPMed 0.00448; ESP Exome Variant Server 0.00523.
gnomAD v4.1: 1,175 of 1,614,104 alleles (0.073%); highest among the groups gnomAD compares: African/African-American, 1.4%; 7 homozygotes.

Submissions (9):

CeGaT Center for Human Genetics Tuebingen
Classification: Likely benign. Last evaluated: 2026-08-01. Review status: criteria provided, single submitter. Criteria: CeGaT Center For Human Genetics Tuebingen Variant Classification Criteria Version 2. Collection method: clinical testing. Allele origin: germline. Affected: yes. Observed: 5 variant alleles.
Comment: GABRA1: BP4, BP7, BS1

Labcorp Genetics (formerly Invitae), Labcorp
Classification: Benign for Epilepsy, childhood absence 4; Epilepsy, idiopathic generalized, susceptibility to, 13; Idiopathic generalized epilepsy. Last evaluated: 2026-02-02. Review status: criteria provided, single submitter. Criteria: Invitae Variant Classification Sherloc (09022015). Collection method: clinical testing. Allele origin: germline.

ARUP Laboratories, Molecular Genetics and Genomics, ARUP Laboratories
Classification: Benign. Last evaluated: 2025-04-23. Review status: criteria provided, single submitter. Criteria: ARUP Molecular Germline Variant Investigation Process 2024. Collection method: clinical testing. Allele origin: germline.

Athena Diagnostics
Classification: Benign. Last evaluated: 2019-04-19. Review status: criteria provided, single submitter. Criteria: Athena Diagnostics Criteria. Collection method: clinical testing. Allele origin: germline.

Illumina Laboratory Services, Illumina
Classification: Uncertain significance for Epilepsy, idiopathic generalized, susceptibility to, 13. Last evaluated: 2018-01-12. Review status: criteria provided, single submitter. Criteria: ICSL Variant Classification Criteria 13 December 2019. Collection method: clinical testing. Allele origin: germline.

Ambry Genetics
Classification: Benign for Inborn genetic diseases. Last evaluated: 2016-09-13. Review status: criteria provided, single submitter. Criteria: Ambry Variant Classification Scheme 2023. Collection method: clinical testing. Allele origin: germline.

Eurofins Ntd Llc (ga)
Classification: Benign. Last evaluated: 2013-07-03. Review status: criteria provided, single submitter. Criteria: EGL Classification Definitions 2015. Collection method: clinical testing. Allele origin: germline. Observed: 1 variant allele, 1 heterozygote.

GeneDx
Classification: Benign. Last evaluated: 2013-01-08. Review status: criteria provided, single submitter. Criteria: GeneDx Variant Classification (06012015). Collection method: clinical testing. Allele origin: germline. Affected: yes.
Comment: This variant is considered likely benign or benign based on one or more of the following criteria: it is a conservative change, it occurs at a poorly conserved position in the protein, it is predicted to be benign by multiple in silico algorithms, and/or has population frequency not consistent with disease.

Genetic Services Laboratory, University of Chicago
Classification: Likely benign for AllHighlyPenetrant. Review status: no assertion criteria provided. Collection method: clinical testing. Allele origin: germline. Inheritance: Autosomal dominant inheritance. Not counted in ClinVar's aggregate classification.
Comment: Likely benign based on allele frequency in 1000 Genomes Project or ESP global frequency and its presence in a patient with a rare or unrelated disease phenotype. NOT Sanger confirmed.

Literature cited by the submitters: PubMed 28251550 (cited by Athena Diagnostics); PubMed 16569738 (cited by Athena Diagnostics).